The following is an entry in ClinVar:

NM_004977.3(KCNC3):c.221C>T (p.Ala74Val)

Gene: KCNC3 (potassium voltage-gated channel subfamily C member 3; minus strand). Cytogenetic location: 19q13.33.
Variant type: single nucleotide variant.
Coding change: c.221C>T on transcript NM_004977.3 (MANE Select); coding-DNA position 221, C replaced by T.
Protein change: p.Ala74Val; replaces alanine 74 with valine.
Molecular consequence: missense variant. On other transcripts: 5 prime UTR variant (1).
Genome position (GRCh38, 1-based): chr19:50,328,862, G>A on the plus strand (C>T on the coding strand, the complement: KCNC3 is on the minus strand). VCF-style: chr19-50328862-G-A. GRCh37 (hg19) VCF-style: chr19-50832119-G-A.
Other names: c.-8C>T (NM_001372305.1); short protein forms A74V.
Identifiers: ClinVar variation 3613913 (VCV003613913.2).

ClinVar aggregate classification (germline): Uncertain significance (1 of 4 stars; one submission).

Submission:

Labcorp Genetics (formerly Invitae), Labcorp
Classification: Uncertain significance. Last evaluated: 2024-07-13. Review status: criteria provided, single submitter. Criteria: Invitae Variant Classification Sherloc (09022015). Collection method: clinical testing. Allele origin: germline.
Comment: This sequence change replaces alanine, which is neutral and non-polar, with valine, which is neutral and non-polar, at codon 74 of the KCNC3 protein (p.Ala74Val). This variant is not present in population databases (gnomAD no frequency). This variant has not been reported in the literature in individuals affected with KCNC3-related conditions. Advanced modeling of protein sequence and biophysical properties (such as structural, functional, and spatial information, amino acid conservation, physicochemical variation, residue mobility, and thermodynamic stability) performed at Invitae indicates that this missense variant is not expected to disrupt KCNC3 protein function with a negative predictive value of 95%. In summary, the available evidence is currently insufficient to determine the role of this variant in disease. Therefore, it has been classified as a Variant of Uncertain Significance.